The following is an entry in ClinVar:

ClinVar aggregate classification (germline): Likely benign. Review status: criteria provided, multiple submitters, no conflicts (2 of 4 stars). 2 submissions from 2 submitters: Likely benign (2). Last evaluated 2018-06-14.

Allele frequency attached by ClinVar (database versions not stated): gnomAD exomes 0.00345; 1000 Genomes Project 30x 0.01265; TOPMed 0.01273; ESP Exome Variant Server 0.01384; ExAC 0.00404; 1000 Genomes Project 0.01138.

Submissions (2):

GeneDx
Classification: Likely benign. Last evaluated: 2018-06-14. Review status: criteria provided, single submitter. Criteria: GeneDx Variant Classification (06012015). Collection method: clinical testing. Allele origin: germline. Affected: yes.
Comment: This variant is considered likely benign or benign based on one or more of the following criteria: it is a conservative change, it occurs at a poorly conserved position in the protein, it is predicted to be benign by multiple in silico algorithms, and/or has population frequency not consistent with disease.

Breakthrough Genomics
Classification: Likely benign. Review status: criteria provided, single submitter. Criteria: ACMG Guidelines, 2015. Collection method: not provided. Allele origin: germline. Inheritance: Autosomal dominant inheritance. Affected: yes.

NM_004408.4(DNM1):c.850-23C>G

Gene: DNM1 (dynamin 1; plus strand). Cytogenetic location: 9q34.11.
Variant type: single nucleotide variant.
Coding change: c.850-23C>G on transcript NM_004408.4 (MANE Select); 23 bases into the intron before coding-DNA position 850, C replaced by G.
Molecular consequence: intron variant.
Genome position (GRCh38, 1-based): chr9:128,222,174, C>G. VCF-style: chr9-128222174-C-G. GRCh37 (hg19) VCF-style: chr9-130984453-C-G.
Other names: c.850-23C>G (NM_001005336.3, NM_001288738.2, NM_001288737.2 and 1 more transcripts).
Identifiers: ClinVar variation 677417 (VCV000677417.2), dbSNP rs182060568, ClinGen allele CA5257914.